The following is an entry in ClinVar:

NM_000095.3(COMP):c.1228T>G (p.Cys410Gly)

Gene: COMP (cartilage oligomeric matrix protein; minus strand). Cytogenetic location: 19p13.11.
Variant type: single nucleotide variant.
Coding change: c.1228T>G on transcript NM_000095.3 (MANE Select); coding-DNA position 1228, T replaced by G.
Protein change: p.Cys410Gly; replaces cysteine 410 with glycine.
Molecular consequence: missense variant.
Genome position (GRCh38, 1-based): chr19:18,786,558, A>C on the plus strand (T>G on the coding strand, the complement: COMP is on the minus strand). VCF-style: chr19-18786558-A-C. GRCh37 (hg19) VCF-style: chr19-18897368-A-C.
Other names: short protein forms C410G.
Identifiers: ClinVar variation 1299574 (VCV001299574.1), dbSNP rs2145901302, ClinGen allele CA404886413.

ClinVar aggregate classification (germline): Likely pathogenic (1 of 4 stars; one submission).

Conditions:
Multiple epiphyseal dysplasia type 1. Also called: COMP-Related Multiple Epiphyseal Dysplasia. Identifiers: Orphanet 93308, MedGen C1838280, MONDO:0007561, OMIM 132400.

Submission:

Laboratory of Medical Genetics, National & Kapodistrian University of Athens
Classification: Likely pathogenic for Multiple epiphyseal dysplasia type 1. Last evaluated: 2021-10-05. Review status: criteria provided, single submitter. Criteria: ACMG Guidelines, 2015. Collection method: clinical testing. Allele origin: unknown. Affected: yes.
Comment: PM1, PM2, PM5, PP3